The following is an entry in ClinVar:

NM_144997.7(FLCN):c.1201C>T (p.Arg401Cys)

Gene: FLCN (folliculin; minus strand). Cytogenetic location: 17p11.2.
Variant type: single nucleotide variant.
Coding change: c.1201C>T on transcript NM_144997.7 (MANE Select); coding-DNA position 1201, C replaced by T.
Protein change: p.Arg401Cys; replaces arginine 401 with cysteine.
Molecular consequence: missense variant.
Genome position (GRCh38, 1-based): chr17:17,216,479, G>A on the plus strand (C>T on the coding strand, the complement: FLCN is on the minus strand). VCF-style: chr17-17216479-G-A. GRCh37 (hg19) VCF-style: chr17-17119793-G-A.
Other names: c.1201C>T (LRG_325t1, NM_144997.6); c.1255C>T, p.Arg419Cys (NM_001353229.2); c.1201C>T, p.Arg401Cys (NM_001353230.2, NM_001353231.2); short protein forms R401C, R419C.
Identifiers: ClinVar variation 241914 (VCV000241914.30), dbSNP rs143183215, ClinGen allele CA8416096.

ClinVar aggregate classification (germline): Conflicting classifications of pathogenicity. Review status: criteria provided, conflicting classifications (1 of 4 stars). 8 submissions from 8 submitters: Uncertain significance (4); Likely benign (4). Last evaluated 2026-01-05.

Conditions:
Birt-Hogg-Dube syndrome 1 (BHD1). Also called: FIBROFOLLICULOMAS WITH TRICHODISCOMAS AND ACROCHORDONS. Identifiers: Orphanet 122, MedGen CN375946, MONDO:0800445, OMIM 135150.
FLCN-related disorder. Also called: FLCN-related condition.
Hereditary cancer-predisposing syndrome. Also called: Neoplastic Syndromes, Hereditary; Hereditary neoplastic syndrome; Hereditary Cancer Syndrome; Tumor predisposition. Identifiers: Orphanet 140162, MedGen C0027672, MeSH D009386, MONDO:0015356.
Birt-Hogg-Dube syndrome. Also called: Birt Hogg Dubé syndrome. Identifiers: Orphanet 122, MedGen C0346010, MONDO:0800444.

Allele frequency attached by ClinVar (database versions not stated): gnomAD exomes 0.00013; ExAC 0.00014; 1000 Genomes Project 30x 0.00016; 1000 Genomes Project 0.00020; ESP Exome Variant Server 0.00023; TOPMed 0.00028; gnomAD 0.00034 and 0.00037.
gnomAD v4.1: 118 of 1,613,826 alleles (0.0073%); highest among the groups gnomAD compares: African/African-American, 0.097%; no homozygotes.

Submissions (8):

Labcorp Genetics (formerly Invitae), Labcorp
Classification: Likely benign for Birt-Hogg-Dube syndrome. Last evaluated: 2026-01-05. Review status: criteria provided, single submitter. Criteria: Invitae Variant Classification Sherloc (09022015). Collection method: clinical testing. Allele origin: germline.

PreventionGenetics, part of Exact Sciences
Classification: Uncertain significance for FLCN-related condition. Last evaluated: 2025-10-13. Review status: criteria provided, single submitter. Criteria: ACMG Guidelines, 2015. Collection method: clinical testing. Allele origin: germline.
Comment: The FLCN c.1201C>T variant is predicted to result in the amino acid substitution p.Arg401Cys. This variant has been reported in an individual with primary spontaneous pneumothorax (Zhang et al. 2022. PubMed ID: 36410626). This variant is reported in 0.089% of alleles in individuals of African descent in gnomAD, which may be too high to be a primary cause of disease. In ClinVar, this variant has conflicting interpretations ranging from uncertain significance to likely benign (Variation ID: 241914). Although we suspect that this variant may be benign, at this time, the clinical significance of this variant is uncertain due to the absence of conclusive functional and genetic evidence.

Dasa
Classification: Uncertain significance. Last evaluated: 2025-09-22. Review status: criteria provided, single submitter. Criteria: DASA Assertion Criteria. Collection method: clinical testing. Allele origin: germline.
Comment: NM_144997.7(FLCN):c.1201C>T (p.Arg401Cys) is a missense variant that results in the substitution of arginine with cysteine. This variant is rare in population databases. Computational prediction algorithms are consistent with a deleterious effect. The currently available literature and clinical evidence are not sufficient to establish a definitive association between this variant and the reported condition. Therefore, this variant is classified as a variant of uncertain significance.

Quest Diagnostics Nichols Institute San Juan Capistrano
Classification: Likely benign. Last evaluated: 2025-05-12. Review status: criteria provided, single submitter. Criteria: Quest Diagnostics criteria. Collection method: clinical testing. Allele origin: unknown.

GeneDx
Classification: Uncertain significance. Last evaluated: 2025-02-23. Review status: criteria provided, single submitter. Criteria: GeneDx Variant Classification Process June 2021. Collection method: clinical testing. Allele origin: germline. Affected: yes.
Comment: In silico analysis supports that this missense variant has a deleterious effect on protein structure/function; Observed in a patient with spontaneous pneumothorax but does not meet diagnostic criteria for Birt-Hogg-Dub syndrome (PMID: 36410626); This variant is associated with the following publications: (PMID: 30190612, 36410626, 17028174)

Myriad Genetics, Inc.
Classification: Likely benign for Birt-Hogg-Dube syndrome 1. Last evaluated: 2024-10-24. Review status: criteria provided, single submitter. Criteria: Myriad Autosomal Dominant, Autosomal Recessive and X-Linked Classification Criteria (2023). Collection method: clinical testing. Allele origin: unknown.
Comment: This variant is considered likely benign. This variant has been observed at a population frequency that is significantly greater than expected given the associated disease prevalence and penetrance.

Sema4
Classification: Uncertain significance for Hereditary cancer-predisposing syndrome. Last evaluated: 2022-03-18. Review status: criteria provided, single submitter. Criteria: Sema4 Curation Guidelines. Collection method: curation. Allele origin: germline.
Comment: To the best of our knowledge, the FLCN c.1201C>T (p.R401C) variant has not been reported in individuals with FLCN-related disease. This variant was observed in 44/280632 chromosomes across all populations in the Genome Aggregation Database (PMID: 32461654). The variant has been reported in ClinVar (Variation ID: 241914). In silico tools suggest the impact of the variant on protein function is deleterious, though these predictions have not been confirmed by functional studies. The evidence is insufficient to meet ACMG/AMP criteria for classifying the variant as benign or pathogenic. Thus, the clinical significance of this variant is currently uncertain.

Ambry Genetics
Classification: Likely benign for Hereditary cancer-predisposing syndrome. Last evaluated: 2018-09-28. Review status: criteria provided, single submitter. Criteria: Ambry Variant Classification Scheme 2023. Collection method: clinical testing. Allele origin: germline.

Literature cited by the submitters: PubMed 36410626 (cited by Quest Diagnostics Nichols Institute San Juan Capistrano); PubMed 30190612 (cited by Quest Diagnostics Nichols Institute San Juan Capistrano).